The following is an entry in ClinVar:

ClinVar aggregate classification (germline): Uncertain significance (1 of 4 stars; one submission).

Conditions:
Episodic ataxia type 1 (EA1). Also called: PAROXYSMAL ATAXIA WITH NEUROMYOTONIA, HEREDITARY; MYOKYMIA WITH PERIODIC ATAXIA; Episodic ataxia/myokymia syndrome; ATAXIA, EPISODIC, WITH MYOKYMIA. Identifiers: Orphanet 37612, Orphanet 972, MedGen C1719788, MONDO:0008047, OMIM 160120.

Allele frequency attached by ClinVar (database versions not stated): gnomAD exomes below 0.00001.
gnomAD v4.1: 3 of 1,614,178 alleles (0.00019%); highest among the groups gnomAD compares: Non-Finnish European, 0.00025%; no homozygotes.

Submission:

Labcorp Genetics (formerly Invitae), Labcorp
Classification: Uncertain significance for Episodic ataxia type 1. Last evaluated: 2023-10-08. Review status: criteria provided, single submitter. Criteria: Invitae Variant Classification Sherloc (09022015). Collection method: clinical testing. Allele origin: germline.
Comment: This sequence change replaces arginine, which is basic and polar, with proline, which is neutral and non-polar, at codon 47 of the KCNA1 protein (p.Arg47Pro). This variant is not present in population databases (gnomAD no frequency). This variant has not been reported in the literature in individuals affected with KCNA1-related conditions. Advanced modeling of protein sequence and biophysical properties (such as structural, functional, and spatial information, amino acid conservation, physicochemical variation, residue mobility, and thermodynamic stability) performed at Invitae indicates that this missense variant is expected to disrupt KCNA1 protein function. In summary, the available evidence is currently insufficient to determine the role of this variant in disease. Therefore, it has been classified as a Variant of Uncertain Significance.

NM_000217.3(KCNA1):c.140G>C (p.Arg47Pro)

Gene: KCNA1 (potassium voltage-gated channel subfamily A member 1; plus strand). Cytogenetic location: 12p13.32.
Variant type: single nucleotide variant.
Coding change: c.140G>C on transcript NM_000217.3 (MANE Select); coding-DNA position 140, G replaced by C.
Protein change: p.Arg47Pro; replaces arginine 47 with proline.
Molecular consequence: missense variant.
Genome position (GRCh38, 1-based): chr12:4,911,518, G>C. VCF-style: chr12-4911518-G-C. GRCh37 (hg19) VCF-style: chr12-5020684-G-C.
Other names: short protein forms R47P.
Identifiers: ClinVar variation 2752953 (VCV002752953.3), dbSNP rs2497351539, ClinGen allele CA383453884.